The following is an entry in ClinVar:

ClinVar aggregate classification (germline): Uncertain significance. Review status: criteria provided, multiple submitters, no conflicts (2 of 4 stars). 2 submissions from 2 submitters: Uncertain significance (2). Last evaluated 2024-01-03.

Conditions:
ALG1-congenital disorder of glycosylation. Also called: CONGENITAL DISORDER OF GLYCOSYLATION, TYPE Ik; CDG Ik; ALG1-CDG. Identifiers: Orphanet 79327, MedGen C2931005, MONDO:0012052, OMIM 608540.

Submissions (2):

GeneDx
Classification: Uncertain significance. Last evaluated: 2024-01-03. Review status: criteria provided, single submitter. Criteria: GeneDx Variant Classification Process June 2021. Collection method: clinical testing. Allele origin: germline. Affected: yes.
Comment: Not observed at significant frequency in large population cohorts (gnomAD); In silico analysis supports that this missense variant has a deleterious effect on protein structure/function; Has not been previously published as pathogenic or benign to our knowledge

Labcorp Genetics (formerly Invitae), Labcorp
Classification: Uncertain significance for ALG1-congenital disorder of glycosylation. Last evaluated: 2023-09-22. Review status: criteria provided, single submitter. Criteria: Invitae Variant Classification Sherloc (09022015). Collection method: clinical testing. Allele origin: germline.
Comment: This sequence change replaces proline, which is neutral and non-polar, with leucine, which is neutral and non-polar, at codon 459 of the ALG1 protein (p.Pro459Leu). This variant is not present in population databases (gnomAD no frequency). This variant has not been reported in the literature in individuals affected with ALG1-related conditions. Advanced modeling of protein sequence and biophysical properties (such as structural, functional, and spatial information, amino acid conservation, physicochemical variation, residue mobility, and thermodynamic stability) performed at Invitae indicates that this missense variant is expected to disrupt ALG1 protein function. In summary, the available evidence is currently insufficient to determine the role of this variant in disease. Therefore, it has been classified as a Variant of Uncertain Significance.

NM_019109.5(ALG1):c.1376C>T (p.Pro459Leu)

Genes: ALG1 (ALG1 chitobiosyldiphosphodolichol beta-mannosyltransferase; plus strand), EEF2KMT (eukaryotic elongation factor 2 lysine methyltransferase; minus strand). Cytogenetic location: 16p13.3.
Variant type: single nucleotide variant.
Coding change: c.1376C>T on transcript NM_019109.5 (MANE Select); coding-DNA position 1376, C replaced by T.
Protein change: p.Pro459Leu; replaces proline 459 with leucine.
Molecular consequence: missense variant. On other transcripts: 3 prime UTR variant (3).
Genome position (GRCh38, 1-based): chr16:5,084,862, C>T. VCF-style: chr16-5084862-C-T. GRCh37 (hg19) VCF-style: chr16-5134863-C-T.
Other names: c.*770G>A (NM_001289029.2, NM_201400.4, NM_201598.4); c.1043C>T, p.Pro348Leu (NM_001330504.2); c.1376C>T (NM_019109.4); short protein forms P348L, P459L.
Identifiers: ClinVar variation 2994265 (VCV002994265.4), dbSNP rs2505880725, ClinGen allele CA394675027.